The following is an entry in ClinVar:

ClinVar aggregate classification (germline): Conflicting classifications of pathogenicity. Review status: criteria provided, conflicting classifications (1 of 4 stars). 4 submissions from 4 submitters: Uncertain significance (3); Likely benign (1). Last evaluated 2026-08-01.

Conditions:
Cardiovascular phenotype. Identifiers: MedGen CN230736.
ALPK3-related disorder. Also called: ALPK3-related condition.

Allele frequency attached by ClinVar (database versions not stated): gnomAD 0.00001; gnomAD exomes 0.00001; TOPMed 0.00003.
gnomAD v4.1: 10 of 1,610,874 alleles (0.00062%); highest among the groups gnomAD compares: African/African-American, 0.0053%; no homozygotes.

Submissions (4):

PreventionGenetics, part of Exact Sciences
Classification: Uncertain significance for ALPK3-related condition. Last evaluated: 2026-08-01. Review status: criteria provided, single submitter. Criteria: ACMG Guidelines, 2015. Collection method: clinical testing. Allele origin: germline.
Comment: The ALPK3 c.3782G>A variant is predicted to result in the amino acid substitution p.Arg1261Gln. To our knowledge, this variant has not been reported in the literature. This variant is reported in 0.0067% of alleles in individuals of African descent in gnomAD. At this time, the clinical significance of this variant is uncertain due to the absence of conclusive functional and genetic evidence.

Ambry Genetics
Classification: Likely benign for Cardiovascular phenotype. Last evaluated: 2026-05-18. Review status: criteria provided, single submitter. Criteria: Ambry Variant Classification Scheme 2023. Collection method: clinical testing. Allele origin: germline.

GeneDx
Classification: Uncertain significance. Last evaluated: 2026-02-24. Review status: criteria provided, single submitter. Criteria: GeneDx Variant Classification Process June 2021. Collection method: clinical testing. Allele origin: germline.
Comment: Not observed at significant frequency in large population cohorts (gnomAD); In silico analysis suggests that this missense variant does not alter protein structure/function; Has not been previously published as pathogenic or benign to our knowledge

Labcorp Genetics (formerly Invitae), Labcorp
Classification: Uncertain significance. Last evaluated: 2025-12-19. Review status: criteria provided, single submitter. Criteria: Invitae Variant Classification Sherloc (09022015). Collection method: clinical testing. Allele origin: germline.
Comment: This sequence change replaces arginine, which is basic and polar, with glutamine, which is neutral and polar, at codon 1261 of the ALPK3 protein (p.Arg1261Gln). The frequency data for this variant in the population databases is considered unreliable, as metrics indicate poor data quality at this position in the gnomAD database. This variant has not been reported in the literature in individuals affected with ALPK3-related conditions. ClinVar contains an entry for this variant (Variation ID: 1928236). Invitae Evidence Modeling of protein sequence and biophysical properties (such as structural, functional, and spatial information, amino acid conservation, physicochemical variation, residue mobility, and thermodynamic stability) indicates that this missense variant is not expected to disrupt ALPK3 protein function with a negative predictive value of 80%. In summary, the available evidence is currently insufficient to determine the role of this variant in disease. Therefore, it has been classified as a Variant of Uncertain Significance.

NM_020778.5(ALPK3):c.3176G>A (p.Arg1059Gln)

Gene: ALPK3 (alpha kinase 3; plus strand). Cytogenetic location: 15q25.3.
Variant type: single nucleotide variant.
Coding change: c.3176G>A on transcript NM_020778.5 (MANE Select); coding-DNA position 3176, G replaced by A.
Protein change: p.Arg1059Gln; replaces arginine 1059 with glutamine.
Molecular consequence: missense variant.
Genome position (GRCh38, 1-based): chr15:84,857,914, G>A. VCF-style: chr15-84857914-G-A. GRCh37 (hg19) VCF-style: chr15-85401145-G-A.
Other names: c.3782G>A (NM_020778.4); short protein forms R1059Q.
Identifiers: ClinVar variation 1928236 (VCV001928236.7), dbSNP rs1240729658, ClinGen allele CA393359746.